The following is an entry in ClinVar:

NM_016599.5(MYOZ2):c.414A>T (p.Lys138Asn)

Gene: MYOZ2 (myozenin 2; plus strand). Cytogenetic location: 4q26.
Variant type: single nucleotide variant.
Coding change: c.414A>T on transcript NM_016599.5 (MANE Select); coding-DNA position 414, A replaced by T.
Protein change: p.Lys138Asn; replaces lysine 138 with asparagine.
Molecular consequence: missense variant.
Genome position (GRCh38, 1-based): chr4:119,164,248, A>T. VCF-style: chr4-119164248-A-T. GRCh37 (hg19) VCF-style: chr4-120085403-A-T.
Other names: c.414A>T, p.Lys138Asn (NM_001440645.1, NM_001440646.1); short protein forms K138N.
Identifiers: ClinVar variation 4844991 (VCV004844991.1).
Genomic context (GRCh38, chr4:119,164,248, plus strand): 5'-ACTTTTGCTATATTTTTCCAAAGGATATTCTGGACCACTGAAGGAAATTCCTCCTGAAAA[A>T]TTCAACACCACAGCTGTCCCTAAGTACTATCAATCTCCCTGGGAACAAGCCATTAGCAAT-3'
Protein context (NP_057683.1, residues 128-148): SGPLKEIPPE[Lys138Asn]FNTTAVPKYY

ClinVar aggregate classification (germline): Uncertain significance (1 of 4 stars; one submission).

Conditions:
Cardiovascular phenotype. Identifiers: MedGen CN230736.

Submission:

Ambry Genetics
Classification: Uncertain significance for Cardiovascular phenotype. Last evaluated: 2026-02-19. Review status: criteria provided, single submitter. Criteria: Ambry Variant Classification Scheme 2023. Collection method: clinical testing. Allele origin: germline.
Comment: The p.K138N variant (also known as c.414A>T), located in coding exon 4 of the MYOZ2 gene, results from an A to T substitution at nucleotide position 414. The lysine at codon 138 is replaced by asparagine, an amino acid with similar properties. This amino acid position is conserved. In addition, this alteration is predicted to be tolerated by in silico analysis. Based on the available evidence, the clinical significance of this variant remains unclear.